The following is an entry in ClinVar:

NM_001079802.2(FKTN):c.475C>G (p.Pro159Ala)

Gene: FKTN (fukutin; plus strand). Cytogenetic location: 9q31.2.
Variant type: single nucleotide variant.
Coding change: c.475C>G on transcript NM_001079802.2 (MANE Select); coding-DNA position 475, C replaced by G.
Protein change: p.Pro159Ala; replaces proline 159 with alanine.
Molecular consequence: missense variant. On other transcripts: non-coding transcript variant (2).
Genome position (GRCh38, 1-based): chr9:105,604,320, C>G. VCF-style: chr9-105604320-C-G. GRCh37 (hg19) VCF-style: chr9-108366601-C-G.
Other names: c.475C>G, p.Pro159Ala (NM_001198963.2, NM_001351496.2, NM_001351498.2 and 1 more transcripts); c.406C>G, p.Pro136Ala (NM_001351497.2); c.79C>G, p.Pro27Ala (NM_001351499.2, NM_001351500.2, NM_001351501.2 and 1 more transcripts); short protein forms P136A, P27A, P159A.
Identifiers: ClinVar variation 1363243 (VCV001363243.8), dbSNP rs755830677, ClinGen allele CA374332076.

ClinVar aggregate classification (germline): Uncertain significance (1 of 4 stars; one submission).

Conditions:
Walker-Warburg congenital muscular dystrophy. Also called: Muscular dystrophy-dystroglycanopathy, type A; Walker-Warburg syndrome. Identifiers: Orphanet 899, MedGen C0265221, MONDO:0000171.

Submission:

Labcorp Genetics (formerly Invitae), Labcorp
Classification: Uncertain significance for Walker-Warburg congenital muscular dystrophy. Last evaluated: 2021-05-31. Review status: criteria provided, single submitter. Criteria: Invitae Variant Classification Sherloc (09022015). Collection method: clinical testing. Allele origin: germline.
Comment: In summary, the available evidence is currently insufficient to determine the role of this variant in disease. Therefore, it has been classified as a Variant of Uncertain Significance. Algorithms developed to predict the effect of missense changes on protein structure and function (SIFT, PolyPhen-2, Align-GVGD) all suggest that this variant is likely to be disruptive, but these predictions have not been confirmed by published functional studies and their clinical significance is uncertain. This variant has not been reported in the literature in individuals with FKTN-related conditions. This variant is not present in population databases (ExAC no frequency). This sequence change replaces proline with alanine at codon 159 of the FKTN protein (p.Pro159Ala). The proline residue is highly conserved and there is a small physicochemical difference between proline and alanine.